The following is an entry in ClinVar:

ClinVar aggregate classification (germline): Uncertain significance. Review status: criteria provided, multiple submitters, no conflicts (2 of 4 stars). 2 submissions from 2 submitters: Uncertain significance (2). Last evaluated 2025-04-20.

Conditions:
Inborn genetic diseases. Identifiers: MedGen C0950123, MeSH D030342.
Developmental and epileptic encephalopathy. Identifiers: MedGen C5779964, MONDO:0100620.

Allele frequency attached by ClinVar (database versions not stated): gnomAD exomes 0.00001; ExAC 0.00002; gnomAD 0.00002; TOPMed 0.00003.
gnomAD v4.1: 20 of 1,598,050 alleles (0.0013%); highest among the groups gnomAD compares: African/African-American, 0.004%; no homozygotes.

Submissions (2):

Ambry Genetics
Classification: Uncertain significance for Inborn genetic diseases. Last evaluated: 2025-04-20. Review status: criteria provided, single submitter. Criteria: Ambry Variant Classification Scheme 2023. Collection method: clinical testing. Allele origin: germline.

Labcorp Genetics (formerly Invitae), Labcorp
Classification: Uncertain significance for Early-infantile DEE. Last evaluated: 2022-03-19. Review status: criteria provided, single submitter. Criteria: Invitae Variant Classification Sherloc (09022015). Collection method: clinical testing. Allele origin: germline.
Comment: This variant has not been reported in the literature in individuals affected with SLC25A22-related conditions. The frequency data for this variant in the population databases is considered unreliable, as metrics indicate poor data quality at this position in the gnomAD database. This sequence change replaces arginine, which is basic and polar, with histidine, which is basic and polar, at codon 44 of the SLC25A22 protein (p.Arg44His). Algorithms developed to predict the effect of missense changes on protein structure and function are either unavailable or do not agree on the potential impact of this missense change (SIFT: "Deleterious"; PolyPhen-2: "Probably Damaging"; Align-GVGD: "Class C0"). In summary, the available evidence is currently insufficient to determine the role of this variant in disease. Therefore, it has been classified as a Variant of Uncertain Significance.

NM_001191061.2(SLC25A22):c.131G>A (p.Arg44His)

Gene: SLC25A22 (solute carrier family 25 member 22; minus strand). Cytogenetic location: 11p15.5.
Variant type: single nucleotide variant.
Coding change: c.131G>A on transcript NM_001191061.2 (MANE Select); coding-DNA position 131, G replaced by A.
Protein change: p.Arg44His; replaces arginine 44 with histidine.
Molecular consequence: missense variant.
Genome position (GRCh38, 1-based): chr11:794,791, C>T on the plus strand (G>A on the coding strand, the complement: SLC25A22 is on the minus strand). VCF-style: chr11-794791-C-T. GRCh37 (hg19) VCF-style: chr11-794791-C-T.
Other names: c.131G>A, p.Arg44His (NM_001191060.2, NM_024698.6); c.131G>A (NM_024698.5); short protein forms R44H.
Identifiers: ClinVar variation 2413431 (VCV002413431.5), dbSNP rs774588138, ClinGen allele CA5789398.